The following is an entry in ClinVar:

NM_001032386.2(SUOX):c.544del (p.Arg182fs)

Gene: SUOX (sulfite oxidase; plus strand). Cytogenetic location: 12q13.2.
Variant type: Deletion.
Coding change: c.544del on transcript NM_001032386.2 (MANE Select); coding-DNA position 544, one base deleted (C; older notation c.544delC).
Protein change: p.Arg182fs; shifts the reading frame from arginine 182.
Molecular consequence: frameshift variant.
Genome position (GRCh38, 1-based): chr12:56,003,933, C deleted. VCF-style (leftmost placement, unchanged base first): chr12-56003932-AC-A. GRCh37 (hg19) VCF-style: chr12-56397716-AC-A.
Other names: c.544del, p.Arg182fs (NM_000456.3, NM_001032387.2); short protein forms R182fs.
Identifiers: ClinVar variation 2708487 (VCV002708487.3), dbSNP rs2540576131, ClinGen allele CA2697559382.

ClinVar aggregate classification (germline): Pathogenic (1 of 4 stars; one submission).

Conditions:
Sulfite oxidase deficiency. Also called: Isolated sulfite oxidase deficiency. Identifiers: Orphanet 833, Orphanet 99731, MedGen C0268624, MONDO:0010089, OMIM 272300, HP:0003643.

Submission:

Labcorp Genetics (formerly Invitae), Labcorp
Classification: Pathogenic for Sulfite oxidase deficiency. Last evaluated: 2024-01-09. Review status: criteria provided, single submitter. Criteria: Invitae Variant Classification Sherloc (09022015). Collection method: clinical testing. Allele origin: germline.
Comment: This sequence change creates a premature translational stop signal (p.Arg182Valfs*5) in the SUOX gene. While this is not anticipated to result in nonsense mediated decay, it is expected to disrupt the last 364 amino acid(s) of the SUOX protein. This variant is not present in population databases (gnomAD no frequency). This variant has not been reported in the literature in individuals affected with SUOX-related conditions. This variant disrupts a region of the SUOX protein in which other variant(s) (p.Arg529*) have been determined to be pathogenic (PMID: 17940249, 28980090). This suggests that this is a clinically significant region of the protein, and that variants that disrupt it are likely to be disease-causing. For these reasons, this variant has been classified as Pathogenic.

Literature cited by the submitters: PubMed 17940249; PubMed 28980090.